The following is an entry in ClinVar:

ClinVar aggregate classification (germline): Uncertain significance (1 of 4 stars; one submission).

gnomAD v4.1: 6 of 1,614,070 alleles (0.00037%); highest among the groups gnomAD compares: Non-Finnish European, 0.00051%; no homozygotes.

Submission:

Labcorp Genetics (formerly Invitae), Labcorp
Classification: Uncertain significance. Last evaluated: 2024-07-17. Review status: criteria provided, single submitter. Criteria: Invitae Variant Classification Sherloc (09022015). Collection method: clinical testing. Allele origin: germline.
Comment: This sequence change replaces arginine, which is basic and polar, with cysteine, which is neutral and slightly polar, at codon 470 of the ADAMTSL4 protein (p.Arg470Cys). This variant is not present in population databases (gnomAD no frequency). This variant has not been reported in the literature in individuals affected with ADAMTSL4-related conditions. Advanced modeling of protein sequence and biophysical properties (such as structural, functional, and spatial information, amino acid conservation, physicochemical variation, residue mobility, and thermodynamic stability) performed at Invitae indicates that this missense variant is not expected to disrupt ADAMTSL4 protein function with a negative predictive value of 80%. Algorithms developed to predict the effect of sequence changes on RNA splicing suggest that this variant may disrupt the consensus splice site. In summary, the available evidence is currently insufficient to determine the role of this variant in disease. Therefore, it has been classified as a Variant of Uncertain Significance.

NM_019032.6(ADAMTSL4):c.1408C>T (p.Arg470Cys)

Genes: ADAMTSL4 (ADAMTS like 4; plus strand), ADAMTSL4-AS2 (ADAMTSL4 antisense RNA 2; minus strand). Cytogenetic location: 1q21.2.
Variant type: single nucleotide variant.
Coding change: c.1408C>T on transcript NM_019032.6 (MANE Select); coding-DNA position 1408, C replaced by T.
Protein change: p.Arg470Cys; replaces arginine 470 with cysteine.
Molecular consequence: missense variant. On other transcripts: non-coding transcript variant (2).
Genome position (GRCh38, 1-based): chr1:150,556,198, C>T. VCF-style: chr1-150556198-C-T. GRCh37 (hg19) VCF-style: chr1-150528674-C-T.
Other names: c.1477C>T, p.Arg493Cys (NM_001288607.2, NM_001288608.2); c.1408C>T, p.Arg470Cys (NM_001378596.1, NM_025008.5); short protein forms R493C, R470C.
Identifiers: ClinVar variation 3687760 (VCV003687760.1).